The following is an entry in ClinVar:

NM_006593.4(TBR1):c.751A>C (p.Asn251His)

Gene: TBR1 (T-box brain transcription factor 1; plus strand). Cytogenetic location: 2q24.2.
Variant type: single nucleotide variant.
Coding change: c.751A>C on transcript NM_006593.4 (MANE Select); coding-DNA position 751, A replaced by C.
Protein change: p.Asn251His; replaces asparagine 251 with histidine.
Molecular consequence: missense variant.
Genome position (GRCh38, 1-based): chr2:161,417,734, A>C. VCF-style: chr2-161417734-A-C. GRCh37 (hg19) VCF-style: chr2-162274245-A-C.
Other names: short protein forms N251H.
Identifiers: ClinVar variation 4976228 (VCV004976228.1).

ClinVar aggregate classification (germline): Uncertain significance (1 of 4 stars; one submission).

Submission:

GeneDx
Classification: Uncertain significance. Last evaluated: 2026-02-05. Review status: criteria provided, single submitter. Criteria: GeneDx Variant Classification Process June 2021. Collection method: clinical testing. Allele origin: germline.
Comment: Not observed at significant frequency in large population cohorts (gnomAD); In silico analysis supports that this missense variant has a deleterious effect on protein structure/function; Has not been previously published as pathogenic or benign to our knowledge